The following is an entry in ClinVar:

ClinVar aggregate classification (germline): Uncertain significance. Review status: criteria provided, multiple submitters, no conflicts (2 of 4 stars). 2 submissions from 2 submitters: Uncertain significance (2). Last evaluated 2025-09-10.

Conditions:
Inborn genetic diseases. Identifiers: MedGen C0950123, MeSH D030342.

Allele frequency attached by ClinVar (database versions not stated): gnomAD 0.00001; gnomAD exomes 0.00001; TOPMed 0.00001.
gnomAD v4.1: 13 of 1,483,874 alleles (0.00088%); highest among the groups gnomAD compares: Non-Finnish European, 0.00099%; no homozygotes.

Submissions (2):

Ambry Genetics
Classification: Uncertain significance for Inborn genetic diseases. Last evaluated: 2025-09-10. Review status: criteria provided, single submitter. Criteria: Ambry Variant Classification Scheme 2023. Collection method: clinical testing. Allele origin: germline.

GeneDx
Classification: Uncertain significance. Last evaluated: 2019-07-17. Review status: criteria provided, single submitter. Criteria: GeneDx Variant Classification Process June 2021. Collection method: clinical testing. Allele origin: germline. Affected: yes.
Comment: In silico analysis, which includes protein predictors and evolutionary conservation, supports a deleterious effect; Has not been previously published as pathogenic or benign to our knowledge

NM_001142864.4(PIEZO1):c.3213G>C (p.Trp1071Cys)

Gene: PIEZO1 (piezo type mechanosensitive ion channel component 1 (Er blood group); minus strand). Cytogenetic location: 16q24.3.
Variant type: single nucleotide variant.
Coding change: c.3213G>C on transcript NM_001142864.4 (MANE Select); coding-DNA position 3213, G replaced by C.
Protein change: p.Trp1071Cys; replaces tryptophan 1071 with cysteine.
Molecular consequence: missense variant.
Genome position (GRCh38, 1-based): chr16:88,727,645, C>G on the plus strand (G>C on the coding strand, the complement: PIEZO1 is on the minus strand). VCF-style: chr16-88727645-C-G. GRCh37 (hg19) VCF-style: chr16-88794053-C-G.
Other names: short protein forms W1071C.
Identifiers: ClinVar variation 1302204 (VCV001302204.3), dbSNP rs1418147855, ClinGen allele CA397105887.